The following is an entry in ClinVar:

ClinVar aggregate classification (germline): Conflicting classifications of pathogenicity. Review status: criteria provided, conflicting classifications (1 of 4 stars). 5 submissions from 5 submitters: Likely pathogenic (3); Uncertain significance (2). Last evaluated 2025-03-05.

Conditions:
Dilated cardiomyopathy 1G (CMD1G). Identifiers: Orphanet 154, MedGen C1858763, MONDO:0011400, OMIM 604145.
Autosomal recessive limb-girdle muscular dystrophy type 2J (LGMDR10). Also called: Limb-girdle muscular dystrophy, type 2J; MUSCULAR DYSTROPHY, LIMB-GIRDLE, AUTOSOMAL RECESSIVE 10. Identifiers: Orphanet 140922, MedGen C1837342, MONDO:0012127, OMIM 608807.
Primary dilated cardiomyopathy (DCM). Also called: Dilated Cardiomyopathy. Identifiers: Orphanet 217604, MedGen C0007193, MeSH D002311, MONDO:0005021, HP:0001644. Inheritance: Various modes of inheritance.
Cardiovascular phenotype. Identifiers: MedGen CN230736.

Submissions (5):

Ambry Genetics
Classification: Likely pathogenic for Cardiovascular phenotype. Last evaluated: 2025-03-05. Review status: criteria provided, single submitter. Criteria: Ambry Variant Classification Scheme 2023. Collection method: clinical testing. Allele origin: germline.
Comment: The c.2255_2256delCA variant, located in coding exon 13 of the TTN gene, results from a deletion of two nucleotides at nucleotide positions 2255 to 2256, causing a translational frameshift with a predicted alternate stop codon. This exon is located in the Z-disk region of the N2-B isoform of the titin protein and is constitutively expressed in TTN transcripts (percent spliced in or PSI 99%). This variant is considered to be rare based on population cohorts in the Genome Aggregation Database (gnomAD). This variant is expected to result in loss of function by premature protein truncation or nonsense-mediated mRNA decay. While truncating variants in TTN are present in 1-3% of the general population, truncating variants in the A-band are the most common cause of dilated cardiomyopathy (Herman DS et al. N. Engl. J. Med., 2012 Feb;366:619-28; Roberts AM et al. Sci Transl Med, 2015 Jan;7:270ra6). TTN truncating variants encoded in constitutive exons (PSI >90%) have been found to be significantly associated with DCM regardless of their position in titin (Schafer S et al. Nat. Genet., 2017 01;49:46-53; Akhtar MM et al. Circ Heart Fail, 2020 Oct;13:e006832; Massier M et al. Clin Genet, 2025 Jan). Based on the majority of available evidence to date, this variant is likely to be pathogenic.

Labcorp Genetics (formerly Invitae), Labcorp
Classification: Likely pathogenic for Dilated cardiomyopathy 1G; Autosomal recessive limb-girdle muscular dystrophy type 2J. Last evaluated: 2024-08-31. Review status: criteria provided, single submitter. Criteria: Invitae Variant Classification Sherloc (09022015). Collection method: clinical testing. Allele origin: germline.
Comment: This sequence change creates a premature translational stop signal (p.Thr798Asnfs*9) in the TTN gene. While this is not anticipated to result in nonsense mediated decay, it is expected to create a truncated TTN protein. This variant is not present in population databases (gnomAD no frequency). This variant has not been observed in the literature in individuals with autosomal recessive TTN-related conditions. This variant has been reported in individual(s) with dilated cardiomyopathy (internal data); however, the role of the variant in this condition is currently unclear. ClinVar contains an entry for this variant (Variation ID: 405012). Algorithms developed to predict the effect of sequence changes on RNA splicing suggest that this variant may disrupt the consensus splice site. This variant is located in the Z band of TTN (PMID: 25589632). Truncating variants in this region have been reported in individuals affected with autosomal recessive centronuclear myopathy (PMID: 33449170, internal data). Truncating variants in this region have also been identified in individuals affected with autosomal dominant dilated cardiomyopathy and/or cardio-related conditions (PMID: 27869827, 32964742, internal data). In summary, the currently available evidence indicates that the variant is pathogenic, but additional data are needed to prove that conclusively. Therefore, this variant has been classified as Likely Pathogenic.

Mayo Clinic Laboratories, Mayo Clinic
Classification: Uncertain significance. Last evaluated: 2024-05-09. Review status: criteria provided, single submitter. Criteria: ACMG Guidelines, 2015. Collection method: clinical testing. Allele origin: germline. Observed: 1 variant allele.
Comment: PM2

Laboratory for Molecular Medicine, Mass General Brigham Personalized Medicine
Classification: Likely pathogenic for Primary dilated cardiomyopathy. Last evaluated: 2019-02-22. Review status: criteria provided, single submitter. Criteria: ACMG Guidelines, 2015. Collection method: clinical testing. Allele origin: germline.
Comment: The p.Thr798AsnfsX9 variant in TTN has not been reported in individuals with TTN-associated diseases, such as dilated cardiomyopathy and neuromuscular conditions and was absent from large population studies. It has also been reported in ClinVar (Variation ID #405012). This variant is predicted to cause a frameshift, which alters the protein’s amino acid sequence beginning at position 798 and leads to a premature termination codon 9 amino acids downstream. This alteration is then predicted to lead to a truncated or absent protein. Nonsense and other truncating variants in TTN are strongly associated with DCM if they impact the exons encoding for the A-band (Herman 2012, Pugh 2014) and/or are located in an exon that is highly expressed in the heart (Roberts 2015). In addition, TTN variants have also been associated with myopathies and other neuromuscular conditions, which usually have autosomal recessive inheritance (Savarese 2016). The p.Thr798AsnfsX9 variant is located in a highly expressed exon in the Z-disk. In summary, although additional studies are required to fully establish its clinical significance, this variant meets criteria to be classified as likely pathogenic for TTN-associated diseases. ACMG/AMP Criteria applied: PVS1, PM2.

Eurofins Ntd Llc (ga)
Classification: Uncertain significance. Last evaluated: 2016-10-12. Review status: criteria provided, single submitter. Criteria: EGL Classification Definitions 2015. Collection method: clinical testing. Allele origin: germline. Observed: 1 variant allele, 1 heterozygote.

Literature cited by the submitters: PubMed 25589632 (cited by Labcorp Genetics (formerly Invitae), Labcorp); PubMed 33449170 (cited by Labcorp Genetics (formerly Invitae), Labcorp); PubMed 27869827 (cited by Labcorp Genetics (formerly Invitae), Labcorp and Mayo Clinic Laboratories, Mayo Clinic); PubMed 32964742 (cited by Labcorp Genetics (formerly Invitae), Labcorp); PubMed 22028589 (cited by Mayo Clinic Laboratories, Mayo Clinic); PubMed 22335739 (cited by Mayo Clinic Laboratories, Mayo Clinic); PubMed 30063764 (cited by Mayo Clinic Laboratories, Mayo Clinic); PubMed 32778822 (cited by Mayo Clinic Laboratories, Mayo Clinic); PubMed 38438525 (cited by Mayo Clinic Laboratories, Mayo Clinic).

NM_001267550.2(TTN):c.2393_2394del (p.Thr798fs)

Gene: TTN (titin; minus strand). Cytogenetic location: 2q31.2.
Variant type: Deletion.
Coding change: c.2393_2394del on transcript NM_001267550.2 (MANE Select); coding-DNA positions 2393 to 2394, 2 bases deleted (CA; older notation c.2393_2394delCA).
Protein change: p.Thr798fs; shifts the reading frame from threonine 798.
Molecular consequence: frameshift variant.
Genome position (GRCh38, 1-based): chr2:178,785,719-178,785,720, TG deleted on the plus strand (CA on the coding strand, the reverse complement: TTN is on the minus strand); deleting any 2 consecutive bases within chr2:178,785,719-178,785,721 gives the same sequence; the c. name uses the placement nearest the transcript's 3' end. VCF-style (leftmost placement, unchanged base first): chr2-178785718-TTG-T. GRCh37 (hg19) VCF-style: chr2-179650445-TTG-T.
Other names: p.Thr798Asnfs*9; c.2393_2394del, p.Thr798fs (NM_001256850.1, NM_133378.4, NM_133379.5); c.2393_2394delCA (NM_001267550.2); c.2255_2256delCA (NM_003319.4); c.2255_2256del, p.Thr752fs (NM_003319.4, NM_133432.3, NM_133437.4); short protein forms T752fs, T798fs.
Identifiers: ClinVar variation 405012 (VCV000405012.20), dbSNP rs1060500528, ClinGen allele CA16610524.